The following is an entry in ClinVar:

ClinVar aggregate classification (germline): Likely benign. Review status: reviewed by expert panel (3 of 4 stars). 4 submissions from 4 submitters: Likely benign (1). 3 of the submissions do not count toward it. Last evaluated 2017-06-29.

Conditions:
BRCA2-related cancer predisposition. Identifiers: MedGen CN377758, MONDO:0700269.
Hereditary cancer-predisposing syndrome. Also called: Hereditary neoplastic syndrome; Hereditary Cancer Syndrome; Neoplastic Syndromes, Hereditary; Tumor predisposition. Identifiers: Orphanet 140162, MedGen C0027672, MeSH D009386, MONDO:0015356.
Breast-ovarian cancer, familial, susceptibility to, 2 (BROVCA2). Also called: BRCA2 Hereditary Breast and Ovarian Cancer. Identifiers: Orphanet 145, MedGen C2675520, MONDO:0012933, OMIM 612555. Disease mechanism: loss of function.
Hereditary breast ovarian cancer syndrome. Also called: Hereditary breast and ovarian cancer syndrome; BRCA1- and BRCA2-Associated Hereditary Breast and Ovarian Cancer; Hereditary breast and/or ovarian cancer syndrome; Hereditary breast and ovarian cancer; Breast and ovarian cancer; Hereditary breast and ovarian cancer syndrome (HBOC). Identifiers: Orphanet 145, MedGen C0677776, MeSH D061325, MONDO:0003582. Disease mechanism: loss of function.

Allele frequency attached by ClinVar (database versions not stated): gnomAD exomes below 0.00001; ExAC 0.00001.
gnomAD v4.1: 1 of 1,613,886 alleles (0.000062%); highest among the groups gnomAD compares: Admixed American, 0.0017%; no homozygotes.

Submissions (4):

Evidence-based Network for the Interpretation of Germline Mutant Alleles (ENIGMA)
Classification: Likely benign for Breast-ovarian cancer, familial, susceptibility to, 2. Last evaluated: 2017-06-29. Review status: reviewed by expert panel. Criteria: ENIGMA BRCA1/2 Classification Criteria (2017-06-29). Collection method: curation. Allele origin: germline.
Comment: Synonymous substitution variant, with low bioinformatic likelihood to result in a splicing aberration (Splicing prior probability 0.02).

Labcorp Genetics (formerly Invitae), Labcorp
Classification: Likely benign for Hereditary breast ovarian cancer syndrome. Last evaluated: 2024-11-29. Review status: criteria provided, single submitter. Criteria: Invitae Variant Classification Sherloc (09022015). Collection method: clinical testing. Allele origin: germline. Not counted in ClinVar's aggregate classification.

All of Us Research Program, National Institutes of Health
Classification: Likely benign for BRCA2-related cancer predisposition. Last evaluated: 2024-04-25. Review status: criteria provided, single submitter. Criteria: ACMG Guidelines, 2015. Collection method: clinical testing. Allele origin: germline. Inheritance: Autosomal dominant inheritance. Observed: 1 variant allele, 1 heterozygote. Not counted in ClinVar's aggregate classification.
Comment: This study involves interpretation of variants in research participants for the purpose of population health screening. Participant phenotype was not available at the time of variant classification. Additional details can be found in publication PMID: 35346344, PMCID: PMC8962531

Ambry Genetics
Classification: Likely benign for Hereditary cancer-predisposing syndrome. Last evaluated: 2016-06-20. Review status: criteria provided, single submitter. Criteria: Ambry Variant Classification Scheme 2023. Collection method: clinical testing. Allele origin: germline. Not counted in ClinVar's aggregate classification.

NM_000059.4(BRCA2):c.2805T>C (p.Asp935=)

Gene: BRCA2 (BRCA2 DNA repair associated; plus strand). Cytogenetic location: 13q13.1.
Variant type: single nucleotide variant.
Coding change: c.2805T>C on transcript NM_000059.4 (MANE Select); coding-DNA position 2805, T replaced by C.
Protein change: p.Asp935=; no amino-acid change (aspartic acid 935 retained).
Molecular consequence: synonymous variant.
Genome position (GRCh38, 1-based): chr13:32,337,160, T>C. VCF-style: chr13-32337160-T-C. GRCh37 (hg19) VCF-style: chr13-32911297-T-C.
Identifiers: ClinVar variation 427457 (VCV000427457.18), dbSNP rs749138071, ClinGen allele CA6940630.
Genomic context (GRCh38, chr13:32,337,160, plus strand): 5'-TTGTGTAAACGAACCCATTTTCAAGAACTCTACCATGGTTTTATATGGAGACACAGGTGA[T>C]AAACAAGCAACCCAAGTGTCAATTAAAAAAGATTTGGTTTATGTTCTTGCAGAGGAGAAC-3'
Protein context (NP_000050.3, residues 925-945): STMVLYGDTG[Asp935=]KQATQVSIKK